The following is an entry in ClinVar:

ClinVar aggregate classification (germline): Uncertain significance. Review status: criteria provided, multiple submitters, no conflicts (2 of 4 stars). 2 submissions from 2 submitters: Uncertain significance (2). Last evaluated 2024-09-27.

Conditions:
Inborn genetic diseases. Identifiers: MedGen C0950123, MeSH D030342.

Allele frequency attached by ClinVar (database versions not stated): gnomAD 0.00001; gnomAD exomes 0.00001; TOPMed 0.00002.
gnomAD v4.1: 16 of 1,612,700 alleles (0.00099%); highest among the groups gnomAD compares: Middle Eastern, 0.016%; no homozygotes.

Submissions (2):

Ambry Genetics
Classification: Uncertain significance for Inborn genetic diseases. Last evaluated: 2024-09-27. Review status: criteria provided, single submitter. Criteria: Ambry Variant Classification Scheme 2023. Collection method: clinical testing. Allele origin: germline.

Labcorp Genetics (formerly Invitae), Labcorp
Classification: Uncertain significance. Last evaluated: 2022-07-26. Review status: criteria provided, single submitter. Criteria: Invitae Variant Classification Sherloc (09022015). Collection method: clinical testing. Allele origin: germline.
Comment: This sequence change replaces arginine, which is basic and polar, with histidine, which is basic and polar, at codon 230 of the TANGO2 protein (p.Arg230His). This variant is present in population databases (no rsID available, gnomAD 0.005%). This variant has not been reported in the literature in individuals affected with TANGO2-related conditions. ClinVar contains an entry for this variant (Variation ID: 1524971). Algorithms developed to predict the effect of missense changes on protein structure and function are either unavailable or do not agree on the potential impact of this missense change (SIFT: "Not Available"; PolyPhen-2: "Probably Damaging"; Align-GVGD: "Not Available"). In summary, the available evidence is currently insufficient to determine the role of this variant in disease. Therefore, it has been classified as a Variant of Uncertain Significance.

NM_152906.7(TANGO2):c.689G>A (p.Arg230His)

Gene: TANGO2 (transport and golgi organization 2 homolog; plus strand). Cytogenetic location: 22q11.21.
Variant type: single nucleotide variant.
Coding change: c.689G>A on transcript NM_152906.7 (MANE Select); coding-DNA position 689, G replaced by A.
Protein change: p.Arg230His; replaces arginine 230 with histidine.
Molecular consequence: missense variant. On other transcripts: synonymous variant (5), 3 prime UTR variant (1), non-coding transcript variant (5), intron variant (1).
Genome position (GRCh38, 1-based): chr22:20,063,421, G>A. VCF-style: chr22-20063421-G-A. GRCh37 (hg19) VCF-style: chr22-20050944-G-A.
Other names: c.689G>A, p.Arg230His (NM_001283106.3, NM_001283116.3, NM_001322142.2); c.812G>A, p.Arg271His (NM_001283129.3, NM_001322141.2, NM_001322143.2); c.687G>A, p.Ala229= (NM_001283148.3, NM_001283154.3); c.503G>A, p.Arg168His (NM_001283179.3, NM_001283186.3, NM_001322163.2 and 2 more transcripts); c.464G>A, p.Arg155His (NM_001283199.3); c.395G>A, p.Arg132His (NM_001283235.3, NM_001322150.2, NM_001322153.2 and 6 more transcripts); c.*25G>A (NM_001283248.3); c.810G>A, p.Ala270= (NM_001322144.2); and 6 more; short protein forms R132H, R168H, R196H, R271H, R155H, R230H, R209H.
Identifiers: ClinVar variation 1524971 (VCV001524971.4), dbSNP rs1185962234, ClinGen allele CA410700400.
Genomic context (GRCh38, chr22:20,063,421, plus strand): 5'-AGGACCAGGGTGGGGAGTACGTGCAGCCCATGCTGAGCAAGTACGCGGCTGTGTGCGTGC[G>A]CTGCCCTGGCTACGGCACCAGGTATTGCAGCACCGTGGGTGCGCCACCTCCTATCCCATG-3'
Protein context (NP_690870.3, residues 220-240): MLSKYAAVCV[Arg230His]CPGYGTRTNT